The following is an entry in ClinVar:

ClinVar aggregate classification (germline): Pathogenic (1 of 4 stars; one submission).

Submission:

GeneDx
Classification: Pathogenic. Last evaluated: 2014-08-07. Review status: criteria provided, single submitter. Criteria: GeneDx Variant Classification (06012015). Collection method: clinical testing. Allele origin: germline. Affected: yes.
Comment: The Y716X nonsense mutation in the CDKL5 gene is predicted to cause loss of normal protein function either through protein truncation or nonsense-mediated mRNA decay. Although this mutation has not been reported previously to our knowledge, many nonsense mutations in CDKL5 have been published in association with CDKL5-related disorders. This variant has been seen as a mosaic. The variant is found in INFANT-EPI panel(s).

NM_001323289.2(CDKL5):c.2148_2149del (p.Tyr716_Arg717delinsTer)

Gene: CDKL5 (cyclin dependent kinase like 5; plus strand). Cytogenetic location: Xp22.13.
Variant type: Deletion.
Coding change: c.2148_2149del on transcript NM_001323289.2 (MANE Select); coding-DNA positions 2148 to 2149, 2 bases deleted (CA; older notation c.2148_2149delCA).
Protein change: p.Tyr716_Arg717delinsTer.
Molecular consequence: nonsense.
Genome position (GRCh38, 1-based): chrX:18,609,566-18,609,567, CA deleted; deleting any 2 consecutive bases within chrX:18,609,565-18,609,567 gives the same sequence; the c. name uses the placement nearest the transcript's 3' end. VCF-style (leftmost placement, unchanged base first): chrX-18609564-TAC-T. GRCh37 (hg19) VCF-style: chrX-18627684-TAC-T.
Other names: c.2148_2149del, p.Tyr716_Arg717delinsTer (NM_001037343.2, NM_003159.3); c.2148_2149delCA (NM_003159.2).
Identifiers: ClinVar variation 156647 (VCV000156647.1), dbSNP rs587783119, ClinGen allele CA294685.
Genomic context (GRCh38, chrX:18,609,564, plus strand): 5'-GCCCCCAAAGAAAATAGACACCTATACAATGATCCTGTGCCAAGGAGAGTTGGTAGCTTT[TAC>T]AGAGGTAAGCCCACCCCCGGCATTCAACAGGTTCCCCTCTCCTCCCTCTCTCACTTTATG-3'